The following is an entry in ClinVar:

NM_001145026.2(PTPRQ):c.90C>T (p.Tyr30=)

Gene: PTPRQ (protein tyrosine phosphatase receptor type Q; plus strand). Cytogenetic location: 12q21.31.
Variant type: single nucleotide variant.
Coding change: c.90C>T on transcript NM_001145026.2 (MANE Select); coding-DNA position 90, C replaced by T.
Protein change: p.Tyr30=; no amino-acid change (tyrosine 30 retained).
Molecular consequence: synonymous variant.
Genome position (GRCh38, 1-based): chr12:80,444,776, C>T. VCF-style: chr12-80444776-C-T. GRCh37 (hg19) VCF-style: chr12-80838556-C-T.
Identifiers: ClinVar variation 3048345 (VCV003048345.2), dbSNP rs1002339782, ClinGen allele CA240213317.

ClinVar aggregate classification (germline): Likely benign (0 of 4 stars; one submission).

Conditions:
PTPRQ-related disorder. Also called: PTPRQ-related condition.

Allele frequency attached by ClinVar (database versions not stated): gnomAD 0.00002; TOPMed 0.00002.
gnomAD v4.1: 34 of 1,539,230 alleles (0.0022%); highest among the groups gnomAD compares: Admixed American, 0.022%; 1 homozygote.

Submission:

PreventionGenetics, part of Exact Sciences
Classification: Likely benign for PTPRQ-related condition. Last evaluated: 2020-01-03. Review status: no assertion criteria provided. Collection method: clinical testing. Allele origin: germline.
Comment: This variant is classified as likely benign based on ACMG/AMP sequence variant interpretation guidelines (Richards et al. 2015 PMID: 25741868, with internal and published modifications).